The following is an entry in ClinVar:

ClinVar aggregate classification (germline): Benign. Review status: criteria provided, multiple submitters, no conflicts (2 of 4 stars). 2 submissions from 2 submitters: Benign (2). Last evaluated 2016-03-29.

Allele frequency attached by ClinVar (database versions not stated): ExAC 0.47593.

Submissions (2):

Laboratory for Molecular Medicine, Mass General Brigham Personalized Medicine
Classification: Benign. Last evaluated: 2016-03-29. Review status: criteria provided, single submitter. Criteria: LMM Criteria. Collection method: clinical testing. Allele origin: germline.
Comment: Variant identified in a genome or exome case(s) and assessed due to predicted null impact of the variant or pathogenic assertions in the literature or databases. Disclaimer: This variant has not undergone full assessment. The following are preliminary notes: Fails inbreeding coefficient filter

Breakthrough Genomics
Classification: Benign. Review status: criteria provided, single submitter. Criteria: ACMG Guidelines, 2015. Collection method: not provided. Allele origin: germline. Inheritance: Unknown mechanism. Affected: yes.

NM_023013.4(PRAMEF1):c.329A>G (p.Glu110Gly)

Gene: PRAMEF1 (PRAME family member 1; plus strand). Cytogenetic location: 1p36.21.
Variant type: single nucleotide variant.
Coding change: c.329A>G on transcript NM_023013.4 (MANE Select); coding-DNA position 329, A replaced by G.
Protein change: p.Glu110Gly; replaces glutamic acid 110 with glycine.
Molecular consequence: missense variant.
Genome position (GRCh38, 1-based): chr1:12,793,956, A>G. VCF-style: chr1-12793956-A-G. GRCh37 (hg19) VCF-style: chr1-12854105-A-G.
Other names: short protein forms E110G.
Identifiers: ClinVar variation 403339 (VCV000403339.5), dbSNP rs76648802, ClinGen allele CA606299.